The following is an entry in ClinVar:

ClinVar aggregate classification (germline): Uncertain significance (1 of 4 stars; one submission).

Conditions:
Periodontitis, aggressive. Identifiers: MedGen C0031106, MONDO:0980757.
Haim-Munk syndrome (HMS). Also called: COCHIN JEWISH DISORDER; KERATOSIS PALMOPLANTARIS WITH PERIODONTOPATHIA AND ONYCHOGRYPOSIS. Identifiers: Orphanet 2342, MedGen C1855627, MONDO:0009491, OMIM 245010.
Papillon-Lefèvre syndrome (PALS). Also called: KERATOSIS PALMOPLANTARIS WITH PERIODONTOPATHIA; Papillon-Lefevre Disease. Identifiers: Orphanet 678, MedGen C0030360, MONDO:0009490, OMIM 245000.

Allele frequency attached by ClinVar (database versions not stated): gnomAD exomes below 0.00001; ExAC 0.00001.
gnomAD v4.1: 1 of 1,614,126 alleles (0.000062%); highest among the groups gnomAD compares: South Asian, 0.0011%; no homozygotes.

Submission:

Labcorp Genetics (formerly Invitae), Labcorp
Classification: Uncertain significance for Haim-Munk syndrome; Periodontitis, aggressive; Papillon-Lefèvre syndrome. Last evaluated: 2022-02-10. Review status: criteria provided, single submitter. Criteria: Invitae Variant Classification Sherloc (09022015). Collection method: clinical testing. Allele origin: germline.
Comment: Algorithms developed to predict the effect of missense changes on protein structure and function are either unavailable or do not agree on the potential impact of this missense change (SIFT: "Not Available"; PolyPhen-2: "Benign"; Align-GVGD: "Not Available"). This variant has not been reported in the literature in individuals affected with CTSC-related conditions. In summary, the available evidence is currently insufficient to determine the role of this variant in disease. Therefore, it has been classified as a Variant of Uncertain Significance. This sequence change replaces aspartic acid, which is acidic and polar, with alanine, which is neutral and non-polar, at codon 336 of the CTSC protein (p.Asp336Ala). This variant is present in population databases (rs763553641, gnomAD 0.003%).

NM_001814.6(CTSC):c.1007A>C (p.Asp336Ala)

Gene: CTSC (cathepsin C; minus strand). Cytogenetic location: 11q14.2.
Variant type: single nucleotide variant.
Coding change: c.1007A>C on transcript NM_001814.6 (MANE Select); coding-DNA position 1007, A replaced by C.
Protein change: p.Asp336Ala; replaces aspartic acid 336 with alanine.
Molecular consequence: missense variant.
Genome position (GRCh38, 1-based): chr11:88,294,391, T>G on the plus strand (A>C on the coding strand, the complement: CTSC is on the minus strand). VCF-style: chr11-88294391-T-G. GRCh37 (hg19) VCF-style: chr11-88027559-T-G.
Other names: short protein forms D336A.
Identifiers: ClinVar variation 2096213 (VCV002096213.4), dbSNP rs763553641, ClinGen allele CA6219789.